The following is an entry in ClinVar:

ClinVar aggregate classification (germline): Uncertain significance. Review status: criteria provided, multiple submitters, no conflicts (2 of 4 stars). 3 submissions from 3 submitters: Uncertain significance (3). Last evaluated 2026-03-04.

Conditions:
Inborn genetic diseases. Identifiers: MedGen C0950123, MeSH D030342.

Allele frequency attached by ClinVar (database versions not stated): ExAC 0.00006; TOPMed 0.00015; gnomAD exomes 0.00008; gnomAD 0.00006; 1000 Genomes Project 30x 0.00016; 1000 Genomes Project 0.00020.
gnomAD v4.1: 49 of 1,612,566 alleles (0.003%); highest among the groups gnomAD compares: Admixed American, 0.052%; no homozygotes.

Submissions (3):

GeneDx
Classification: Uncertain significance. Last evaluated: 2026-03-04. Review status: criteria provided, single submitter. Criteria: GeneDx Variant Classification Process June 2021. Collection method: clinical testing. Allele origin: germline.
Comment: In silico analysis suggests that this missense variant does not alter protein structure/function; Has not been previously published as pathogenic or benign to our knowledge

Labcorp Genetics (formerly Invitae), Labcorp
Classification: Uncertain significance. Last evaluated: 2025-06-04. Review status: criteria provided, single submitter. Criteria: Invitae Variant Classification Sherloc (09022015). Collection method: clinical testing. Allele origin: germline.
Comment: This sequence change replaces serine, which is neutral and polar, with cysteine, which is neutral and slightly polar, at codon 22 of the PARS2 protein (p.Ser22Cys). This variant is present in population databases (rs201481557, gnomAD 0.04%). This variant has not been reported in the literature in individuals affected with PARS2-related conditions. ClinVar contains an entry for this variant (Variation ID: 1346155). An algorithm developed to predict the effect of missense changes on protein structure and function outputs the following: PolyPhen-2: "Benign". The cysteine amino acid residue is found in multiple mammalian species, which suggests that this missense change does not adversely affect protein function. In summary, the available evidence is currently insufficient to determine the role of this variant in disease. Therefore, it has been classified as a Variant of Uncertain Significance.

Ambry Genetics
Classification: Uncertain significance for Inborn genetic diseases. Last evaluated: 2021-05-24. Review status: criteria provided, single submitter. Criteria: Ambry Variant Classification Scheme 2023. Collection method: clinical testing. Allele origin: germline.

NM_152268.4(PARS2):c.65C>G (p.Ser22Cys)

Gene: PARS2 (prolyl-tRNA synthetase 2, mitochondrial; minus strand). Cytogenetic location: 1p32.3.
Variant type: single nucleotide variant.
Coding change: c.65C>G on transcript NM_152268.4 (MANE Select); coding-DNA position 65, C replaced by G.
Protein change: p.Ser22Cys; replaces serine 22 with cysteine.
Molecular consequence: missense variant.
Genome position (GRCh38, 1-based): chr1:54,759,097, G>C on the plus strand (C>G on the coding strand, the complement: PARS2 is on the minus strand). VCF-style: chr1-54759097-G-C. GRCh37 (hg19) VCF-style: chr1-55224770-G-C.
Other names: c.65C>G (NM_152268.3); short protein forms S22C.
Identifiers: ClinVar variation 1346155 (VCV001346155.9), dbSNP rs201481557, ClinGen allele CA869558.